The following is an entry in ClinVar:

NM_000044.6(AR):c.349del (p.Ser117fs)

Gene: AR (androgen receptor; plus strand). Cytogenetic location: Xq12.
Variant type: Deletion.
Coding change: c.349del on transcript NM_000044.6 (MANE Select); coding-DNA position 349, one base deleted (T; older notation c.349delT).
Protein change: p.Ser117fs; shifts the reading frame from serine 117.
Molecular consequence: frameshift variant. On other transcripts: 5 prime UTR variant (1).
Genome position (GRCh38, 1-based): chrX:67,545,495, T deleted; the last of 2 consecutive T bases (chrX:67,545,494-67,545,495); deleting either gives the same sequence. VCF-style (leftmost placement, unchanged base first): chrX-67545493-CT-C. GRCh37 (hg19) VCF-style: chrX-66765335-CT-C.
Other names: c.-1435del (NM_001011645.3); c.349del, p.Ser117fs (NM_001348061.1, NM_001348063.1, NM_001348064.1); short protein forms S117fs.
Identifiers: ClinVar variation 3776628 (VCV003776628.1).

ClinVar aggregate classification (germline): Pathogenic (1 of 4 stars; one submission).

Submission:

GeneDx
Classification: Pathogenic. Last evaluated: 2024-10-04. Review status: criteria provided, single submitter. Criteria: GeneDx Variant Classification Process June 2021. Collection method: clinical testing. Allele origin: germline. Affected: yes.
Comment: Frameshift variant predicted to result in protein truncation or nonsense mediated decay in a gene for which loss of function is a known mechanism of disease; Not observed at significant frequency in large population cohorts (gnomAD); Has not been previously published as pathogenic or benign to our knowledge